The following is an entry in ClinVar:

ClinVar aggregate classification (germline): Benign/Likely benign. Review status: criteria provided, multiple submitters, no conflicts (2 of 4 stars). 5 submissions from 5 submitters: Benign (4); Likely benign (1). Last evaluated 2026-09-01.

Conditions:
Developmental and epileptic encephalopathy, 69. Also called: EPILEPTIC ENCEPHALOPATHY, EARLY INFANTILE, 69. Identifiers: MedGen C4748988, MONDO:0032657, OMIM 618285.

Allele frequency attached by ClinVar (database versions not stated): 1000 Genomes Project 30x 0.00047; 1000 Genomes Project 0.00060; ExAC 0.00263; gnomAD exomes 0.00279 and 0.00568; ESP Exome Variant Server 0.00304; gnomAD 0.00322 and 0.00349; TOPMed 0.00344.
gnomAD v4.1: 8,740 of 1,613,862 alleles (0.54%); highest among the groups gnomAD compares: Non-Finnish European, 0.69%; 40 homozygotes.

Submissions (5):

CeGaT Center for Human Genetics Tuebingen
Classification: Benign. Last evaluated: 2026-09-01. Review status: criteria provided, single submitter. Criteria: CeGaT Center For Human Genetics Tuebingen Variant Classification Criteria Version 2. Collection method: clinical testing. Allele origin: germline. Affected: yes. Observed: 27 variant alleles.
Comment: CACNA1E: BP4, BP7, BS1, BS2

Labcorp Genetics (formerly Invitae), Labcorp
Classification: Benign. Last evaluated: 2026-02-03. Review status: criteria provided, single submitter. Criteria: Invitae Variant Classification Sherloc (09022015). Collection method: clinical testing. Allele origin: germline.

Blueprint Genetics
Classification: Likely benign. Last evaluated: 2024-11-25. Review status: criteria provided, single submitter. Criteria: ACMG Guidelines, 2015. Collection method: clinical testing. Allele origin: germline.

Genome-Nilou Lab
Classification: Benign for Developmental and epileptic encephalopathy, 69. Last evaluated: 2023-04-11. Review status: criteria provided, single submitter. Criteria: ACMG Guidelines, 2015. Collection method: clinical testing. Allele origin: germline. Affected: no.

GeneDx
Classification: Benign. Last evaluated: 2021-03-29. Review status: criteria provided, single submitter. Criteria: GeneDx Variant Classification Process June 2021. Collection method: clinical testing. Allele origin: germline. Affected: yes.

NM_001205293.3(CACNA1E):c.4089G>T (p.Leu1363=)

Gene: CACNA1E (calcium voltage-gated channel subunit alpha1 E; plus strand). Cytogenetic location: 1q25.3.
Variant type: single nucleotide variant.
Coding change: c.4089G>T on transcript NM_001205293.3 (MANE Select); coding-DNA position 4089, G replaced by T.
Protein change: p.Leu1363=; no amino-acid change (leucine 1363 retained).
Molecular consequence: synonymous variant.
Genome position (GRCh38, 1-based): chr1:181,756,055, G>T. VCF-style: chr1-181756055-G-T. GRCh37 (hg19) VCF-style: chr1-181725191-G-T.
Other names: c.4089G>T, p.Leu1363= (NM_000721.4); c.4032G>T, p.Leu1344= (NM_001205294.2).
Identifiers: ClinVar variation 1166523 (VCV001166523.46), dbSNP rs199667506, ClinGen allele CA1275767.
Genomic context (GRCh38, chr1:181,756,055, plus strand): 5'-GAAGGGCCGGGAATGGAAGCGCCATGAATTCCACTACGACAACATTATCTGGGCCCTGCT[G>T]ACCCTCTTCACCGTCTCCACAGGGGAAGGATGGCCTCAGTGAGTGATTGAGTTGTCATGC-3'
Protein context (NP_001192222.1, residues 1353-1373): FHYDNIIWAL[Leu1363=]TLFTVSTGEG